The following is an entry in ClinVar:

NM_002941.4(ROBO1):c.2005G>A (p.Val669Ile)

Gene: ROBO1 (roundabout guidance receptor 1; minus strand). Cytogenetic location: 3p12.3.
Variant type: single nucleotide variant.
Coding change: c.2005G>A on transcript NM_002941.4 (MANE Select); coding-DNA position 2005, G replaced by A.
Protein change: p.Val669Ile; replaces valine 669 with isoleucine.
Molecular consequence: missense variant.
Genome position (GRCh38, 1-based): chr3:78,662,076, C>T on the plus strand (G>A on the coding strand, the complement: ROBO1 is on the minus strand). VCF-style: chr3-78662076-C-T. GRCh37 (hg19) VCF-style: chr3-78711226-C-T.
Other names: c.1897G>A, p.Val633Ile (NM_001145845.2, NM_133631.4); short protein forms V669I, V633I.
Identifiers: ClinVar variation 4629252 (VCV004629252.2).

ClinVar aggregate classification (germline): Uncertain significance. Review status: criteria provided, multiple submitters, no conflicts (2 of 4 stars). 2 submissions from 2 submitters: Uncertain significance (2). Last evaluated 2025-09-24.

Conditions:
Inborn genetic diseases. Identifiers: MedGen C0950123, MeSH D030342.

gnomAD v4.1: 1 of 1,578,424 alleles (0.000063%); no homozygotes.

Submissions (2):

Ambry Genetics
Classification: Uncertain significance for Inborn genetic diseases. Last evaluated: 2025-09-24. Review status: criteria provided, single submitter. Criteria: Ambry Variant Classification Scheme 2023. Collection method: clinical testing. Allele origin: germline.

Labcorp Genetics (formerly Invitae), Labcorp
Classification: Uncertain significance. Last evaluated: 2025-07-15. Review status: criteria provided, single submitter. Criteria: Invitae Variant Classification Sherloc (09022015). Collection method: clinical testing. Allele origin: germline.
Comment: This sequence change replaces valine, which is neutral and non-polar, with isoleucine, which is neutral and non-polar, at codon 669 of the ROBO1 protein (p.Val669Ile). This variant is not present in population databases (gnomAD no frequency). This variant has not been reported in the literature in individuals affected with ROBO1-related conditions. Invitae Evidence Modeling of protein sequence and biophysical properties (such as structural, functional, and spatial information, amino acid conservation, physicochemical variation, residue mobility, and thermodynamic stability) indicates that this missense variant is not expected to disrupt ROBO1 protein function with a negative predictive value of 95%. In summary, the available evidence is currently insufficient to determine the role of this variant in disease. Therefore, it has been classified as a Variant of Uncertain Significance.